The following is an entry in ClinVar:

NM_020719.3(PRR12):c.4488ACCGCC[3] (p.Pro1500_Leu1501insProPro)

Gene: PRR12 (proline rich 12; plus strand). Cytogenetic location: 19q13.33.
Variant type: Microsatellite.
Coding change: c.4488ACCGCC[3] on transcript NM_020719.3 (MANE Select); three copies in a row of the 6-base unit ACCGCC starting at c.4488; the reference has two copies in a row; one copy, 6 bases duplicated.
Protein change: p.Pro1500_Leu1501insProPro.
Molecular consequence: inframe insertion.
Genome position (GRCh38, 1-based): chr19:49,601,639-49,601,644, ACCGCC duplicated; duplicating any 6 consecutive bases within chr19:49,601,631-49,601,644 gives the same sequence; the position shown is the placement nearest the transcript's 3' end. VCF-style (leftmost placement, unchanged base first): chr19-49601630-A-ACCACCG. GRCh37 (hg19) VCF-style: chr19-50104887-A-ACCACCG.
Identifiers: ClinVar variation 4686526 (VCV004686526.1).

ClinVar aggregate classification (germline): Uncertain significance (1 of 4 stars; one submission).

Submission:

GeneDx
Classification: Uncertain significance. Last evaluated: 2025-07-17. Review status: criteria provided, single submitter. Criteria: GeneDx Variant Classification Process June 2021. Collection method: clinical testing. Allele origin: germline. Affected: yes.
Comment: Not observed at significant frequency in large population cohorts (gnomAD); In-frame duplication of 2 amino acids in a non-repeat region; Has not been previously published as pathogenic or benign to our knowledge